The following is an entry in ClinVar:

NM_005585.5(SMAD6):c.1488del (p.Arg496fs)

Gene: SMAD6 (SMAD family member 6; plus strand). Cytogenetic location: 15q22.31.
Variant type: Deletion.
Coding change: c.1488del on transcript NM_005585.5 (MANE Select); coding-DNA position 1488, one base deleted (A; older notation c.1488delA).
Protein change: p.Arg496fs; shifts the reading frame from arginine 496.
Molecular consequence: frameshift variant. On other transcripts: non-coding transcript variant (1).
Genome position (GRCh38, 1-based): chr15:66,781,532, A deleted. VCF-style (leftmost placement, unchanged base first): chr15-66781531-GA-G. GRCh37 (hg19) VCF-style: chr15-67073869-GA-G.
Other names: short protein forms R496fs.
Identifiers: ClinVar variation 1359664 (VCV001359664.6), dbSNP rs2140682691, ClinGen allele CA2573151041.

ClinVar aggregate classification (germline): Uncertain significance (1 of 4 stars; one submission).

Conditions:
Aortic valve disease 2 (AOVD2). Identifiers: MedGen C3542024, MONDO:0013902, OMIM 614823.

Allele frequency attached by ClinVar (database versions not stated): gnomAD exomes below 0.00001.

Submission:

Labcorp Genetics (formerly Invitae), Labcorp
Classification: Uncertain significance for Aortic valve disease 2. Last evaluated: 2021-08-02. Review status: criteria provided, single submitter. Criteria: Invitae Variant Classification Sherloc (09022015). Collection method: clinical testing. Allele origin: germline.
Comment: Algorithms developed to predict the effect of sequence changes on RNA splicing suggest that this variant may create or strengthen a splice site. Experimental studies and prediction algorithms are not available or were not evaluated, and the functional significance of this variant is currently unknown. This variant has not been reported in the literature in individuals affected with SMAD6-related conditions. This variant is not present in population databases (ExAC no frequency). This sequence change results in a frameshift in the SMAD6 gene (p.Arg496Serfs*43). While this is not anticipated to result in nonsense mediated decay, it is expected to disrupt the last 1 amino acid(s) of the SMAD6 protein and extend the protein by 41 additional amino acid residues. In summary, the available evidence is currently insufficient to determine the role of this variant in disease. Therefore, it has been classified as a Variant of Uncertain Significance.